The following is an entry in ClinVar:

ClinVar aggregate classification (germline): Uncertain significance (1 of 4 stars; one submission).

Submission:

GeneDx
Classification: Uncertain significance. Last evaluated: 2024-07-27. Review status: criteria provided, single submitter. Criteria: GeneDx Variant Classification Process June 2021. Collection method: clinical testing. Allele origin: germline. Affected: yes.
Comment: Not observed at significant frequency in large population cohorts (gnomAD); In silico analysis indicates that this missense variant does not alter protein structure/function; Has not been previously published as pathogenic or benign to our knowledge

NM_005334.3(HCFC1):c.4297G>A (p.Ala1433Thr)

Gene: HCFC1 (host cell factor C1; minus strand). Cytogenetic location: Xq28.
Variant type: single nucleotide variant.
Coding change: c.4297G>A on transcript NM_005334.3 (MANE Select); coding-DNA position 4297, G replaced by A.
Protein change: p.Ala1433Thr; replaces alanine 1433 with threonine.
Molecular consequence: missense variant.
Genome position (GRCh38, 1-based): chrX:153,954,102, C>T on the plus strand (G>A on the coding strand, the complement: HCFC1 is on the minus strand). VCF-style: chrX-153954102-C-T. GRCh37 (hg19) VCF-style: chrX-153219553-C-T.
Other names: c.4297G>A, p.Ala1433Thr (NM_001410705.1); short protein forms A1433T.
Identifiers: ClinVar variation 3600566 (VCV003600566.1).
Genomic context (GRCh38, chrX:153,954,102, plus strand): 5'-GCCAGGCTGGCCACCTTCACTTACCTTGGTTTGAACTCATGTTGGAAGTGACAGTGGTGG[C>T]CGTGTGAGTGGTGCCCGTCTCGTGGGTCTCACAGGGGGGGTTGGAGCACACCCTCTGTGT-3'
Protein context (NP_005325.2, residues 1423-1443): ETHETGTTHT[Ala1433Thr]TTVTSNMSSN